The following is an entry in ClinVar:

NM_000918.4(P4HB):c.376G>A (p.Val126Met)

Gene: P4HB (prolyl 4-hydroxylase subunit beta; minus strand). Cytogenetic location: 17q25.3.
Variant type: single nucleotide variant.
Coding change: c.376G>A on transcript NM_000918.4 (MANE Select); coding-DNA position 376, G replaced by A.
Protein change: p.Val126Met; replaces valine 126 with methionine.
Molecular consequence: missense variant.
Genome position (GRCh38, 1-based): chr17:81,855,563, C>T on the plus strand (G>A on the coding strand, the complement: P4HB is on the minus strand). VCF-style: chr17-81855563-C-T. GRCh37 (hg19) VCF-style: chr17-79813439-C-T.
Other names: short protein forms V126M.
Identifiers: ClinVar variation 1353923 (VCV001353923.6), dbSNP rs200582154, ClinGen allele CA8842992.

ClinVar aggregate classification (germline): Uncertain significance (1 of 4 stars; one submission).

Allele frequency attached by ClinVar (database versions not stated): ExAC 0.00001; gnomAD exomes 0.00002; TOPMed 0.00002.
gnomAD v4.1: 8 of 1,613,854 alleles (0.0005%); highest among the groups gnomAD compares: Middle Eastern, 0.017%; no homozygotes.

Submission:

Labcorp Genetics (formerly Invitae), Labcorp
Classification: Uncertain significance. Last evaluated: 2025-09-04. Review status: criteria provided, single submitter. Criteria: Invitae Variant Classification Sherloc (09022015). Collection method: clinical testing. Allele origin: germline.
Comment: This sequence change replaces valine, which is neutral and non-polar, with methionine, which is neutral and non-polar, at codon 126 of the P4HB protein (p.Val126Met). This variant is present in population databases (rs200582154, gnomAD 0.007%). This variant has not been reported in the literature in individuals affected with P4HB-related conditions. ClinVar contains an entry for this variant (Variation ID: 1353923). Invitae Evidence Modeling of protein sequence and biophysical properties (such as structural, functional, and spatial information, amino acid conservation, physicochemical variation, residue mobility, and thermodynamic stability) has been performed for this missense variant. However, the output from this modeling did not meet the statistical confidence thresholds required to predict the impact of this variant on P4HB protein function. In summary, the available evidence is currently insufficient to determine the role of this variant in disease. Therefore, it has been classified as a Variant of Uncertain Significance.